The following is an entry in ClinVar:

ClinVar aggregate classification (germline): Conflicting classifications of pathogenicity. Review status: criteria provided, conflicting classifications (1 of 4 stars). 5 submissions from 4 submitters: Uncertain significance (4); Benign (1). Last evaluated 2025-11-21.

Conditions:
Aortic valve disease 1 (AOVD1). Identifiers: MedGen C3887892, MONDO:0024523, OMIM 109730.
Adams-Oliver syndrome 5 (AOS5). Identifiers: Orphanet 974, MedGen C4014970, MONDO:0014459, OMIM 616028.
Familial thoracic aortic aneurysm and aortic dissection (TAAD). Also called: Thoracic aortic aneurysms and dissections. Identifiers: Orphanet 91387, MedGen C4707243, MONDO:0019625.

Allele frequency attached by ClinVar (database versions not stated): gnomAD exomes 0.00002 and 0.00003; gnomAD 0.00001.
gnomAD v4.1: 47 of 1,558,364 alleles (0.003%); highest among the groups gnomAD compares: Non-Finnish European, 0.004%; no homozygotes.

Submissions (5):

Labcorp Genetics (formerly Invitae), Labcorp
Classification: Benign for Adams-Oliver syndrome 5. Last evaluated: 2025-11-21. Review status: criteria provided, single submitter. Criteria: Invitae Variant Classification Sherloc (09022015). Collection method: clinical testing. Allele origin: germline.

Ambry Genetics
Classification: Uncertain significance for Familial thoracic aortic aneurysm and aortic dissection. Last evaluated: 2024-07-24. Review status: criteria provided, single submitter. Criteria: Ambry Variant Classification Scheme 2023. Collection method: clinical testing. Allele origin: germline.
Comment: The p.T211S variant (also known as c.632C>G), located in coding exon 4 of the NOTCH1 gene, results from a C to G substitution at nucleotide position 632. The threonine at codon 211 is replaced by serine, an amino acid with similar properties. This amino acid position is well conserved in available vertebrate species. In addition, the in silico prediction for this alteration is inconclusive. Since supporting evidence is limited at this time, the clinical significance of this alteration remains unclear.

GeneDx
Classification: Uncertain significance. Last evaluated: 2023-05-25. Review status: criteria provided, single submitter. Criteria: GeneDx Variant Classification Process June 2021. Collection method: clinical testing. Allele origin: germline.
Comment: Has not been previously published as pathogenic or benign to our knowledge; In silico analysis supports that this missense variant has a deleterious effect on protein structure/function

Genome-Nilou Lab
Classification: Uncertain significance for Adams-Oliver syndrome 5. Last evaluated: 2022-03-15. Review status: criteria provided, single submitter. Criteria: ACMG Guidelines, 2015. Collection method: clinical testing. Allele origin: germline. Affected: no.

Genome-Nilou Lab
Classification: Uncertain significance for Aortic valve disease 1. Last evaluated: 2022-03-15. Review status: criteria provided, single submitter. Criteria: ACMG Guidelines, 2015. Collection method: clinical testing. Allele origin: germline. Affected: no.

NM_017617.5(NOTCH1):c.632C>G (p.Thr211Ser)

Gene: NOTCH1 (notch receptor 1; minus strand). Cytogenetic location: 9q34.3.
Variant type: single nucleotide variant.
Coding change: c.632C>G on transcript NM_017617.5 (MANE Select); coding-DNA position 632, C replaced by G.
Protein change: p.Thr211Ser; replaces threonine 211 with serine.
Molecular consequence: missense variant.
Genome position (GRCh38, 1-based): chr9:136,522,960, G>C on the plus strand (C>G on the coding strand, the complement: NOTCH1 is on the minus strand). VCF-style: chr9-136522960-G-C. GRCh37 (hg19) VCF-style: chr9-139417412-G-C.
Other names: c.632C>G, p.Thr211Ser (LRG_1122t1); short protein forms T211S.
Identifiers: ClinVar variation 520061 (VCV000520061.20), dbSNP rs1401319182, ClinGen allele CA375569763.